The following is an entry in ClinVar:

NM_005236.3(ERCC4):c.1102+45A>G

Gene: ERCC4 (ERCC excision repair 4, endonuclease catalytic subunit; plus strand). Cytogenetic location: 16p13.12.
Variant type: single nucleotide variant.
Coding change: c.1102+45A>G on transcript NM_005236.3 (MANE Select); 45 bases into the intron after coding-DNA position 1102, A replaced by G.
Molecular consequence: intron variant.
Genome position (GRCh38, 1-based): chr16:13,932,330, A>G. VCF-style: chr16-13932330-A-G. GRCh37 (hg19) VCF-style: chr16-14026187-A-G.
Identifiers: ClinVar variation 3387979 (VCV003387979.14).
Genomic context (GRCh38, chr16:13,932,330, plus strand): 5'-ATTAAAGAAGGGGAAGGTATCTTGTGGGGTTAAGTCTTTAAATGTGTTTTTTATTTCGGT[A>G]TTTGGTATGGAAATTTAAAGTGCAATTTAAAGTCTTCTTTGGCCATGTGAAAAGTGTGTT-3'

ClinVar aggregate classification (germline): Benign (1 of 4 stars; one submission).

gnomAD v4.1: 5,215 of 1,572,510 alleles (0.33%); highest among the groups gnomAD compares: South Asian, 1.1%; 37 homozygotes.

Submission:

CeGaT Center for Human Genetics Tuebingen
Classification: Benign. Last evaluated: 2024-11-01. Review status: criteria provided, single submitter. Criteria: CeGaT Center For Human Genetics Tuebingen Variant Classification Criteria Version 2. Collection method: clinical testing. Allele origin: germline. Affected: yes. Observed: 2 variant alleles.
Comment: ENSG00000262732: BS1, BS2